The following is an entry in ClinVar:

ClinVar aggregate classification (germline): Uncertain significance. Review status: criteria provided, multiple submitters, no conflicts (2 of 4 stars). 4 submissions from 4 submitters: Uncertain significance (4). Last evaluated 2025-07-31.

Conditions:
Familial isolated arrhythmogenic right ventricular dysplasia. Identifiers: Orphanet 217656, MedGen C4274968, MONDO:0016342.
Arrhythmogenic right ventricular dysplasia 11. Also called: Arrhythmogenic right ventricular dysplasia 11 with mild palmoplantar keratoderma and woolly hair; Arrhythmogenic Right Ventricular Dysplasia/Cardiomyopathy11; ARRHYTHMOGENIC RIGHT VENTRICULAR DYSPLASIA, FAMILIAL, 11. Identifiers: MedGen C1864850, MONDO:0012506, OMIM 610476.
Cardiomyopathy (CMYO). Also called: Cardiomyopathies. Identifiers: Orphanet 167848, MedGen C0878544, MONDO:0004994, HP:0001638. Inheritance: Various modes of inheritance.

Allele frequency attached by ClinVar (database versions not stated): gnomAD exomes below 0.00001; TOPMed below 0.00001.
gnomAD v4.1: 5 of 1,613,842 alleles (0.00031%); highest among the groups gnomAD compares: Non-Finnish European, 0.00042%; no homozygotes.

Submissions (4):

GeneDx
Classification: Uncertain significance. Last evaluated: 2025-07-31. Review status: criteria provided, single submitter. Criteria: GeneDx Variant Classification Process June 2021. Collection method: clinical testing. Allele origin: germline. Affected: yes.
Comment: Not observed at significant frequency in large population cohorts (gnomAD); In silico analysis supports that this missense variant has a deleterious effect on protein structure/function; Has not been previously published as pathogenic or benign to our knowledge

All of Us Research Program, National Institutes of Health
Classification: Uncertain significance for Familial isolated arrhythmogenic right ventricular dysplasia. Last evaluated: 2023-12-13. Review status: criteria provided, single submitter. Criteria: ACMG Guidelines, 2015. Collection method: clinical testing. Allele origin: germline. Inheritance: Autosomal dominant inheritance. Observed: 1 variant allele, 1 heterozygote.
Comment: This missense variant replaces phenylalanine with valine at codon 71 of the DSC2 protein. Computational prediction suggests that this variant may have deleterious impact on protein structure and function (internally defined REVEL score threshold >= 0.7, PMID: 27666373). To our knowledge, functional studies have not been reported for this variant. This variant has not been reported in individuals affected with cardiovascular disorders in the literature. This variant has not been identified in the general population by the Genome Aggregation Database (gnomAD). The available evidence is insufficient to determine the role of this variant in disease conclusively. Therefore, this variant is classified as a Variant of Uncertain Significance.

This study involves interpretation of variants in research participants for the purpose of population health screening. Participant phenotype was not available at the time of variant classification. Additional details can be found in publication PMID: 35346344, PMCID: PMC8962531

Color Diagnostics, LLC DBA Color Health
Classification: Uncertain significance for Cardiomyopathy. Last evaluated: 2023-11-15. Review status: criteria provided, single submitter. Criteria: ACMG Guidelines, 2015. Collection method: clinical testing. Allele origin: germline.
Comment: This missense variant replaces phenylalanine with valine at codon 71 of the DSC2 protein. Computational prediction suggests that this variant may have deleterious impact on protein structure and function (internally defined REVEL score threshold >= 0.7, PMID: 27666373). To our knowledge, functional studies have not been reported for this variant. This variant has not been reported in individuals affected with cardiovascular disorders in the literature. This variant has not been identified in the general population by the Genome Aggregation Database (gnomAD). The available evidence is insufficient to determine the role of this variant in disease conclusively. Therefore, this variant is classified as a Variant of Uncertain Significance.

Labcorp Genetics (formerly Invitae), Labcorp
Classification: Uncertain significance for Arrhythmogenic right ventricular dysplasia 11. Last evaluated: 2022-02-27. Review status: criteria provided, single submitter. Criteria: Invitae Variant Classification Sherloc (09022015). Collection method: clinical testing. Allele origin: germline.
Comment: This sequence change replaces phenylalanine, which is neutral and non-polar, with valine, which is neutral and non-polar, at codon 71 of the DSC2 protein (p.Phe71Val). This variant is not present in population databases (gnomAD no frequency). This variant has not been reported in the literature in individuals affected with DSC2-related conditions. Algorithms developed to predict the effect of missense changes on protein structure and function (SIFT, PolyPhen-2, Align-GVGD) all suggest that this variant is likely to be disruptive. In summary, the available evidence is currently insufficient to determine the role of this variant in disease. Therefore, it has been classified as a Variant of Uncertain Significance.

NM_024422.6(DSC2):c.211T>G (p.Phe71Val)

Gene: DSC2 (desmocollin 2; minus strand). Cytogenetic location: 18q12.1.
Variant type: single nucleotide variant.
Coding change: c.211T>G on transcript NM_024422.6 (MANE Select); coding-DNA position 211, T replaced by G.
Protein change: p.Phe71Val; replaces phenylalanine 71 with valine.
Molecular consequence: missense variant.
Genome position (GRCh38, 1-based): chr18:31,092,244, A>C on the plus strand (T>G on the coding strand, the complement: DSC2 is on the minus strand). VCF-style: chr18-31092244-A-C. GRCh37 (hg19) VCF-style: chr18-28672207-A-C.
Other names: c.-219T>G (NM_001406506.1, NM_001406507.1); c.211T>G, p.Phe71Val (NM_004949.5); c.211T>G (NM_024422.3); short protein forms F71V.
Identifiers: ClinVar variation 2140254 (VCV002140254.6), dbSNP rs1256444177, ClinGen allele CA402114874.
Genomic context (GRCh38, chr18:31,092,244, plus strand): 5'-TCTCCGAGGACAATAGAATAGTATTTGTTGTATAGACTGAACCATCCTCCAAAATTTGGA[A>C]GTCAGGATCACTTGAATGAATTAGATTTGCAGCTGTAAAGCACTCTTTCAGGTTAACTGT-3'
Protein context (NP_077740.1, residues 61-81): ANLIHSSDPD[Phe71Val]QILEDGSVYT